The following is an entry in ClinVar:

NM_017755.6(NSUN2):c.-27C>A

Gene: NSUN2 (NOP2/Sun RNA methyltransferase 2; minus strand). Cytogenetic location: 5p15.31.
Variant type: single nucleotide variant.
Coding change: c.-27C>A on transcript NM_017755.6 (MANE Select); 27 bases upstream of the start codon, C replaced by A.
Molecular consequence: 5 prime UTR variant. On other transcripts: non-coding transcript variant (1).
Genome position (GRCh38, 1-based): chr5:6,633,006, G>T on the plus strand (C>A on the coding strand, the complement: NSUN2 is on the minus strand). VCF-style: chr5-6633006-G-T. GRCh37 (hg19) VCF-style: chr5-6633119-G-T.
Other names: c.-27C>A (NM_001193455.2).
Identifiers: ClinVar variation 354065 (VCV000354065.9), dbSNP rs190264173, ClinGen allele CA3192965.

ClinVar aggregate classification (germline): Benign/Likely benign. Review status: criteria provided, multiple submitters, no conflicts (2 of 4 stars). 3 submissions from 3 submitters: Benign (1); Likely benign (2). Last evaluated 2018-10-31.

Conditions:
Intellectual developmental disorder, autosomal recessive 5. Also called: Intellectual disability, autosomal recessive 5. Identifiers: Orphanet 88616, MedGen C1970199, MONDO:0012613, OMIM 611091.

Allele frequency attached by ClinVar (database versions not stated): gnomAD exomes 0.00414; 1000 Genomes Project 0.00439; ExAC 0.00454; 1000 Genomes Project 30x 0.00515; gnomAD 0.00619; TOPMed 0.00743.
gnomAD v4.1: 5,031 of 1,421,790 alleles (0.35%); highest among the groups gnomAD compares: African/African-American, 1.9%; 30 homozygotes.

Submissions (3):

GeneDx
Classification: Likely benign. Last evaluated: 2018-10-31. Review status: criteria provided, single submitter. Criteria: GeneDx Variant Classification Process June 2021. Collection method: clinical testing. Allele origin: germline. Affected: yes.

Illumina Laboratory Services, Illumina
Classification: Benign for Intellectual developmental disorder, autosomal recessive 5. Last evaluated: 2018-01-13. Review status: criteria provided, single submitter. Criteria: ICSL Variant Classification Criteria 13 December 2019. Collection method: clinical testing. Allele origin: germline.
Comment: This variant was observed in the ICSL laboratory as part of a predisposition screen in an ostensibly healthy population. It had not been previously curated by ICSL or reported in the Human Gene Mutation Database (HGMD: prior to June 1st, 2018), and was therefore a candidate for classification through an automated scoring system. Utilizing variant allele frequency, disease prevalence and penetrance estimates, and inheritance mode, an automated score was calculated to assess if this variant is too frequent to cause the disease. Based on the score and internal cut-off values, a variant classified as benign is not then subjected to further curation. The score for this variant resulted in a classification of benign for this disease.

Breakthrough Genomics
Classification: Likely benign. Review status: criteria provided, single submitter. Criteria: ACMG Guidelines, 2015. Collection method: not provided. Allele origin: germline. Inheritance: Autosomal recessive inheritance. Affected: yes.